The following is an entry in ClinVar:

NM_000722.4(CACNA2D1):c.2450C>T (p.Ser817Leu)

Gene: CACNA2D1 (calcium voltage-gated channel auxiliary subunit alpha2delta 1; minus strand). Cytogenetic location: 7q21.11.
Variant type: single nucleotide variant.
Coding change: c.2450C>T on transcript NM_000722.4 (MANE Select); coding-DNA position 2450, C replaced by T.
Protein change: p.Ser817Leu; replaces serine 817 with leucine.
Molecular consequence: missense variant.
Genome position (GRCh38, 1-based): chr7:81,967,609, G>A on the plus strand (C>T on the coding strand, the complement: CACNA2D1 is on the minus strand). VCF-style: chr7-81967609-G-A. GRCh37 (hg19) VCF-style: chr7-81596925-G-A.
Other names: c.2486C>T, p.Ser829Leu (NM_001366867.1); short protein forms S817L, S829L.
Identifiers: ClinVar variation 3232263 (VCV003232263.4), dbSNP rs775523046, ClinGen allele CA4317625.

ClinVar aggregate classification (germline): Uncertain significance. Review status: criteria provided, multiple submitters, no conflicts (2 of 4 stars). 2 submissions from 2 submitters: Uncertain significance (2). Last evaluated 2025-04-30.

Conditions:
Brugada syndrome. Also called: Sudden unexplained nocturnal death syndrome; Sudden Unexplained Death Syndrome; Sudden Unexplained Nocturnal Death Syndrome (SUNDS); Sudden unexpected nocturnal death syndrome. Identifiers: Orphanet 130, MedGen C1142166, MONDO:0015263.
Cardiovascular phenotype. Identifiers: MedGen CN230736.

Allele frequency attached by ClinVar (database versions not stated): gnomAD exomes below 0.00001; gnomAD 0.00001; ExAC 0.00002.
gnomAD v4.1: 3 of 1,506,296 alleles (0.0002%); highest among the groups gnomAD compares: Admixed American, 0.0017%; no homozygotes.

Submissions (2):

Ambry Genetics
Classification: Uncertain significance for Cardiovascular phenotype. Last evaluated: 2025-04-30. Review status: criteria provided, single submitter. Criteria: Ambry Variant Classification Scheme 2023. Collection method: clinical testing. Allele origin: germline.
Comment: The p.S817L variant (also known as c.2450C>T), located in coding exon 30 of the CACNA2D1 gene, results from a C to T substitution at nucleotide position 2450. The serine at codon 817 is replaced by leucine, an amino acid with dissimilar properties. This amino acid position is conserved. In addition, this alteration is predicted to be tolerated by in silico analysis. Since supporting evidence is limited at this time, the clinical significance of this alteration remains unclear.

Labcorp Genetics (formerly Invitae), Labcorp
Classification: Uncertain significance for Brugada syndrome. Last evaluated: 2024-09-22. Review status: criteria provided, single submitter. Criteria: Invitae Variant Classification Sherloc (09022015). Collection method: clinical testing. Allele origin: germline.
Comment: This sequence change replaces serine, which is neutral and polar, with leucine, which is neutral and non-polar, at codon 817 of the CACNA2D1 protein (p.Ser817Leu). This variant is not present in population databases (gnomAD no frequency). This variant has not been reported in the literature in individuals affected with CACNA2D1-related conditions. An algorithm developed to predict the effect of missense changes on protein structure and function (PolyPhen-2) suggests that this variant is likely to be tolerated. In summary, the available evidence is currently insufficient to determine the role of this variant in disease. Therefore, it has been classified as a Variant of Uncertain Significance.